The following is an entry in ClinVar:

Single allele

Gene: ETV6 (ETS variant transcription factor 6; plus strand). Cytogenetic location: 12p13.2.
Variant type: Deletion.
Identifiers: ClinVar variation 1333000 (VCV001333000.2).

ClinVar aggregate classification (germline): Pathogenic (1 of 4 stars; one submission).

Conditions:
Thrombocytopenia 5 (THC5). Also called: THROMBOCYTOPENIA 5 WITH INCREASED SUSCEPTIBILITY TO MALIGNANCY; THROMBOCYTOPENIA, AUTOSOMAL DOMINANT, 5. Identifiers: MedGen C4015537, MONDO:0014536, OMIM 616216.

Submission:

ISTH-SSC Genomics in Thrombosis and Hemostasis, KU Leuven, Center for Molecular and Vascular Biology
Classification: Pathogenic for Thrombocytopenia 5. Review status: criteria provided, single submitter. Criteria: ACMG Guidelines, 2015. Collection method: research. Allele origin: unknown. Inheritance: Autosomal recessive inheritance. Affected: yes.
Comment: Gold Variant submitter: Dr Karyn Megy, NIHR Bioresource - Cambridge University, UK

Literature cited by the submitters: PubMed 34355501.